The following is an entry in ClinVar:

ClinVar aggregate classification (germline): Uncertain significance (1 of 4 stars; one submission).

Conditions:
Early-infantile DEE. Also called: Early infantile epileptic encephalopathy; Early infantile epileptic encephalopathy with suppression bursts; Ohtahara syndrome. Identifiers: Orphanet 1934, MedGen C0393706, MONDO:0800491.

Allele frequency attached by ClinVar (database versions not stated): gnomAD exomes 0.00003; ExAC 0.00007; TOPMed 0.00001; gnomAD 0.00003.
gnomAD v4.1: 43 of 1,613,922 alleles (0.0027%); highest among the groups gnomAD compares: South Asian, 0.0055%; no homozygotes.

Submission:

Labcorp Genetics (formerly Invitae), Labcorp
Classification: Uncertain significance for Early-infantile DEE. Last evaluated: 2024-01-22. Review status: criteria provided, single submitter. Criteria: Invitae Variant Classification Sherloc (09022015). Collection method: clinical testing. Allele origin: germline.
Comment: This sequence change replaces asparagine, which is neutral and polar, with serine, which is neutral and polar, at codon 1356 of the SPTAN1 protein (p.Asn1356Ser). This variant is present in population databases (rs748076414, gnomAD 0.05%), and has an allele count higher than expected for a pathogenic variant. This variant has not been reported in the literature in individuals affected with SPTAN1-related conditions. Advanced modeling of protein sequence and biophysical properties (such as structural, functional, and spatial information, amino acid conservation, physicochemical variation, residue mobility, and thermodynamic stability) has been performed at Invitae for this missense variant, however the output from this modeling did not meet the statistical confidence thresholds required to predict the impact of this variant on SPTAN1 protein function. In summary, the available evidence is currently insufficient to determine the role of this variant in disease. Therefore, it has been classified as a Variant of Uncertain Significance.

NM_001130438.3(SPTAN1):c.4067A>G (p.Asn1356Ser)

Gene: SPTAN1 (spectrin alpha, non-erythrocytic 1; plus strand). Cytogenetic location: 9q34.11.
Variant type: single nucleotide variant.
Coding change: c.4067A>G on transcript NM_001130438.3 (MANE Select); coding-DNA position 4067, A replaced by G.
Protein change: p.Asn1356Ser; replaces asparagine 1356 with serine.
Molecular consequence: missense variant.
Genome position (GRCh38, 1-based): chr9:128,607,624, A>G. VCF-style: chr9-128607624-A-G. GRCh37 (hg19) VCF-style: chr9-131369903-A-G.
Other names: c.4007A>G, p.Asn1336Ser (NM_001195532.2, NM_001363765.2, NM_001375314.2); c.4067A>G, p.Asn1356Ser (NM_001363759.2, NM_001375310.1, NM_001375311.2 and 2 more transcripts); c.4103A>G, p.Asn1368Ser (NM_001375312.2, NM_001375318.1); short protein forms N1368S, N1356S, N1336S.
Identifiers: ClinVar variation 2723061 (VCV002723061.3), dbSNP rs748076414, ClinGen allele CA5265109.